The following is an entry in ClinVar:

NM_000553.6(WRN):c.1754del (p.Pro585fs)

Gene: WRN (WRN RecQ like helicase; plus strand). Cytogenetic location: 8p12.
Variant type: Deletion.
Coding change: c.1754del on transcript NM_000553.6 (MANE Select); coding-DNA position 1754, one base deleted (C; older notation c.1754delC).
Protein change: p.Pro585fs; shifts the reading frame from proline 585.
Molecular consequence: frameshift variant.
Genome position (GRCh38, 1-based): chr8:31,090,867, C deleted; the last of 2 consecutive C bases (chr8:31,090,866-31,090,867); deleting either gives the same sequence. VCF-style (leftmost placement, unchanged base first): chr8-31090865-AC-A. GRCh37 (hg19) VCF-style: chr8-30948381-AC-A.
Other names: short protein forms P585fs.
Identifiers: ClinVar variation 1948137 (VCV001948137.6), dbSNP rs1585440764, ClinGen allele CA918232801.

ClinVar aggregate classification (germline): Pathogenic/Likely pathogenic. Review status: criteria provided, multiple submitters, no conflicts (2 of 4 stars). 2 submissions from 2 submitters: Pathogenic (1); Likely pathogenic (1). Last evaluated 2025-04-21.

Conditions:
Werner syndrome (WRN). Identifiers: Orphanet 902, MedGen C0043119, MONDO:0010196, OMIM 277700.

Submissions (2):

Labcorp Genetics (formerly Invitae), Labcorp
Classification: Pathogenic for Werner syndrome. Last evaluated: 2025-04-21. Review status: criteria provided, single submitter. Criteria: Invitae Variant Classification Sherloc (09022015). Collection method: clinical testing. Allele origin: germline.
Comment: This sequence change creates a premature translational stop signal (p.Pro585Leufs*4) in the WRN gene. It is expected to result in an absent or disrupted protein product. Loss-of-function variants in WRN are known to be pathogenic (PMID: 16673358). This variant is not present in population databases (gnomAD no frequency). This variant has not been reported in the literature in individuals affected with WRN-related conditions. ClinVar contains an entry for this variant (Variation ID: 1948137). For these reasons, this variant has been classified as Pathogenic.

Baylor Genetics
Classification: Likely pathogenic for Werner syndrome. Last evaluated: 2023-06-20. Review status: criteria provided, single submitter. Criteria: ACMG Guidelines, 2015. Collection method: clinical testing. Allele origin: unknown.

Literature cited by the submitters: PubMed 16673358 (cited by Labcorp Genetics (formerly Invitae), Labcorp).